The following is an entry in ClinVar:

NM_000018.4(ACADVL):c.65C>G (p.Ser22Trp)

Genes: ACADVL (acyl-CoA dehydrogenase very long chain; plus strand), LOC130060113 (ATAC-STARR-seq lymphoblastoid silent region 8088; plus strand). Cytogenetic location: 17p13.1.
Variant type: single nucleotide variant.
Coding change: c.65C>G on transcript NM_000018.4 (MANE Select); coding-DNA position 65, C replaced by G.
Protein change: p.Ser22Trp; replaces serine 22 with tryptophan.
Molecular consequence: missense variant. On other transcripts: 5 prime UTR variant (1).
Genome position (GRCh38, 1-based): chr17:7,220,124, C>G. VCF-style: chr17-7220124-C-G. GRCh37 (hg19) VCF-style: chr17-7123443-C-G.
Other names: c.65C>G, p.Ser22Trp (NM_001033859.3); c.134C>G, p.Ser45Trp (NM_001270447.2); c.-164C>G (NM_001270448.2); short protein forms S22W, S45W.
Identifiers: ClinVar variation 1525860 (VCV001525860.6), dbSNP rs727503788, ClinGen allele CA397722027.

ClinVar aggregate classification (germline): Uncertain significance. Review status: criteria provided, multiple submitters, no conflicts (2 of 4 stars). 2 submissions from 2 submitters: Uncertain significance (2). Last evaluated 2022-06-20.

Conditions:
Very long chain acyl-CoA dehydrogenase deficiency (ACADVLD). Also called: Very Long-Chain Acyl-Coenzyme A Dehydrogenase Deficiency; VLCAD Deficiency. Identifiers: Orphanet 26793, MedGen C3887523, MONDO:0008723, OMIM 201475.

gnomAD v4.1: 17 of 1,569,320 alleles (0.0011%); highest among the groups gnomAD compares: African/African-American, 0.0013%; no homozygotes.

Submissions (2):

Labcorp Genetics (formerly Invitae), Labcorp
Classification: Uncertain significance for Very long chain acyl-CoA dehydrogenase deficiency. Last evaluated: 2022-06-20. Review status: criteria provided, single submitter. Criteria: Invitae Variant Classification Sherloc (09022015). Collection method: clinical testing. Allele origin: germline.
Comment: This sequence change replaces serine, which is neutral and polar, with tryptophan, which is neutral and slightly polar, at codon 22 of the ACADVL protein (p.Ser22Trp). This variant is not present in population databases (gnomAD no frequency). This variant has not been reported in the literature in individuals affected with ACADVL-related conditions. Algorithms developed to predict the effect of missense changes on protein structure and function are either unavailable or do not agree on the potential impact of this missense change (SIFT: "Deleterious"; PolyPhen-2: "Not Available"; Align-GVGD: "Class C0"). In summary, the available evidence is currently insufficient to determine the role of this variant in disease. Therefore, it has been classified as a Variant of Uncertain Significance.

Fulgent Genetics
Classification: Uncertain significance for Very long chain acyl-CoA dehydrogenase deficiency. Last evaluated: 2022-03-25. Review status: criteria provided, single submitter. Criteria: ACMG Guidelines, 2015. Collection method: clinical testing. Allele origin: unknown.